The following is an entry in ClinVar:

NM_014714.4(IFT140):c.3499A>G (p.Thr1167Ala)

Gene: IFT140 (intraflagellar transport 140; minus strand). Cytogenetic location: 16p13.3.
Variant type: single nucleotide variant.
Coding change: c.3499A>G on transcript NM_014714.4 (MANE Select); coding-DNA position 3499, A replaced by G.
Protein change: p.Thr1167Ala; replaces threonine 1167 with alanine.
Molecular consequence: missense variant.
Genome position (GRCh38, 1-based): chr16:1,520,763, T>C on the plus strand (A>G on the coding strand, the complement: IFT140 is on the minus strand). VCF-style: chr16-1520763-T-C. GRCh37 (hg19) VCF-style: chr16-1570764-T-C.
Other names: short protein forms T1167A.
Identifiers: ClinVar variation 1411439 (VCV001411439.6), dbSNP rs1433941335, ClinGen allele CA394225024.

ClinVar aggregate classification (germline): Uncertain significance (1 of 4 stars; one submission).

Conditions:
Saldino-Mainzer syndrome (SRTD9). Also called: CONORENAL SYNDROME; Renal dysplasia, retinal pigmentary dystrophy, cerebellar ataxia and skeletal dysplasia; SHORT-RIB THORACIC DYSPLASIA 9 WITHOUT POLYDACTYLY; short-rib thoracic dysplasia 9 with or without polydactyly. Identifiers: Orphanet 140969, MedGen C1849437, MONDO:0009964, OMIM 266920.

Submission:

Labcorp Genetics (formerly Invitae), Labcorp
Classification: Uncertain significance for Saldino-Mainzer syndrome. Last evaluated: 2024-07-01. Review status: criteria provided, single submitter. Criteria: Invitae Variant Classification Sherloc (09022015). Collection method: clinical testing. Allele origin: germline.
Comment: This sequence change replaces threonine, which is neutral and polar, with alanine, which is neutral and non-polar, at codon 1167 of the IFT140 protein (p.Thr1167Ala). This variant is not present in population databases (gnomAD no frequency). This variant has not been reported in the literature in individuals affected with IFT140-related conditions. ClinVar contains an entry for this variant (Variation ID: 1411439). Advanced modeling of protein sequence and biophysical properties (such as structural, functional, and spatial information, amino acid conservation, physicochemical variation, residue mobility, and thermodynamic stability) has been performed at Invitae for this missense variant, however the output from this modeling did not meet the statistical confidence thresholds required to predict the impact of this variant on IFT140 protein function. In summary, the available evidence is currently insufficient to determine the role of this variant in disease. Therefore, it has been classified as a Variant of Uncertain Significance.